The following is an entry in ClinVar:

NM_001946.4(DUSP6):c.252C>G (p.Asp84Glu)

Genes: DUSP6 (dual specificity phosphatase 6; minus strand), POC1B-DUSP6 (POC1B-DUSP6 readthrough; minus strand). Cytogenetic location: 12q21.33.
Variant type: single nucleotide variant.
Coding change: c.252C>G on transcript NM_001946.4 (MANE Select); coding-DNA position 252, C replaced by G.
Protein change: p.Asp84Glu; replaces aspartic acid 84 with glutamic acid.
Molecular consequence: missense variant.
Genome position (GRCh38, 1-based): chr12:89,351,788, G>C on the plus strand (C>G on the coding strand, the complement: DUSP6 is on the minus strand). VCF-style: chr12-89351788-G-C. GRCh37 (hg19) VCF-style: chr12-89745565-G-C.
Other names: c.252C>G, p.Asp84Glu (NM_022652.4); short protein forms D84E.
Identifiers: ClinVar variation 3390254 (VCV003390254.14).
Genomic context (GRCh38, chr12:89,351,788, plus strand): 5'-GTCGCTGCTGCTCTCGTCGTAGAGCACCACTGTGTCGGTGCCACAGCGCCGGGTGAAGCG[G>C]TCCCGGTCCTCGCCGCGCGTGAAGAGCGCGCGCACCGGCAGGTTACCCTTCTGCAGGCGC-3'
Protein context (NP_001937.2, residues 74-94): RALFTRGEDR[Asp84Glu]RFTRRCGTDT

ClinVar aggregate classification (germline): Uncertain significance (1 of 4 stars; one submission).

Submission:

CeGaT Center for Human Genetics Tuebingen
Classification: Uncertain significance. Last evaluated: 2024-11-01. Review status: criteria provided, single submitter. Criteria: CeGaT Center For Human Genetics Tuebingen Variant Classification Criteria Version 2. Collection method: clinical testing. Allele origin: germline. Affected: yes. Observed: 1 variant allele.
Comment: DUSP6: PM2